The following is an entry in ClinVar:

ClinVar aggregate classification (germline): Uncertain significance (1 of 4 stars; one submission).

Conditions:
Familial cold autoinflammatory syndrome 2 (FCAS2). Identifiers: Orphanet 247868, MedGen C2673198, MONDO:0012724, OMIM 611762.

gnomAD v4.1: 1 of 1,614,128 alleles (0.000062%); highest among the groups gnomAD compares: Non-Finnish European, 0.000085%; no homozygotes.

Submission:

Labcorp Genetics (formerly Invitae), Labcorp
Classification: Uncertain significance for Familial cold autoinflammatory syndrome 2. Last evaluated: 2018-12-04. Review status: criteria provided, single submitter. Criteria: Invitae Variant Classification Sherloc (09022015). Collection method: clinical testing. Allele origin: germline.
Comment: In summary, the available evidence is currently insufficient to determine the role of this variant in disease. Therefore, it has been classified as a Variant of Uncertain Significance. Algorithms developed to predict the effect of missense changes on protein structure and function are either unavailable or do not agree on the potential impact of this missense change (SIFT: "Deleterious"; PolyPhen-2: "Possibly Damaging"; Align-GVGD: "Class C0"). This variant has not been reported in the literature in individuals with NLRP12-related conditions. This variant is not present in population databases (ExAC no frequency). This sequence change replaces glutamic acid with glutamine at codon 547 of the NLRP12 protein (p.Glu547Gln). The glutamic acid residue is highly conserved and there is a small physicochemical difference between glutamic acid and glutamine.

NM_144687.4(NLRP12):c.1639G>C (p.Glu547Gln)

Gene: NLRP12 (NLR family pyrin domain containing 12; minus strand). Cytogenetic location: 19q13.42.
Variant type: single nucleotide variant.
Coding change: c.1639G>C on transcript NM_144687.4 (MANE Select); coding-DNA position 1639, G replaced by C.
Protein change: p.Glu547Gln; replaces glutamic acid 547 with glutamine.
Molecular consequence: missense variant.
Genome position (GRCh38, 1-based): chr19:53,810,020, C>G on the plus strand (G>C on the coding strand, the complement: NLRP12 is on the minus strand). VCF-style: chr19-53810020-C-G. GRCh37 (hg19) VCF-style: chr19-54313274-C-G.
Other names: c.1639G>C, p.Glu547Gln (NM_001277126.2, NM_001277129.1); short protein forms E547Q.
Identifiers: ClinVar variation 659409 (VCV000659409.8), dbSNP rs760475376, ClinGen allele CA407413000.